The following is an entry in ClinVar:

ClinVar aggregate classification (germline): Uncertain significance (1 of 4 stars; one submission).

Submission:

GeneDx
Classification: Uncertain significance. Last evaluated: 2023-10-08. Review status: criteria provided, single submitter. Criteria: GeneDx Variant Classification Process June 2021. Collection method: clinical testing. Allele origin: germline. Affected: yes.
Comment: Not observed at significant frequency in large population cohorts (gnomAD); In silico analysis supports that this missense variant has a deleterious effect on protein structure/function; Has not been previously published as pathogenic or benign to our knowledge

NM_024496.4(IRF2BPL):c.1276G>A (p.Gly426Ser)

Gene: IRF2BPL (interferon regulatory factor 2 binding protein like; minus strand). Cytogenetic location: 14q24.3.
Variant type: single nucleotide variant.
Coding change: c.1276G>A on transcript NM_024496.4 (MANE Select); coding-DNA position 1276, G replaced by A.
Protein change: p.Gly426Ser; replaces glycine 426 with serine.
Molecular consequence: missense variant.
Genome position (GRCh38, 1-based): chr14:77,026,517, C>T on the plus strand (G>A on the coding strand, the complement: IRF2BPL is on the minus strand). VCF-style: chr14-77026517-C-T. GRCh37 (hg19) VCF-style: chr14-77492860-C-T.
Other names: short protein forms G426S.
Identifiers: ClinVar variation 1695500 (VCV001695500.3), dbSNP rs2140377819, ClinGen allele CA390495002.